The following is an entry in ClinVar:

NM_006759.4(UGP2):c.1307T>C (p.Phe436Ser)

Gene: UGP2 (UDP-glucose pyrophosphorylase 2; plus strand). Cytogenetic location: 2p15.
Variant type: single nucleotide variant.
Coding change: c.1307T>C on transcript NM_006759.4 (MANE Select); coding-DNA position 1307, T replaced by C.
Protein change: p.Phe436Ser; replaces phenylalanine 436 with serine.
Molecular consequence: missense variant.
Genome position (GRCh38, 1-based): chr2:63,887,637, T>C. VCF-style: chr2-63887637-T-C. GRCh37 (hg19) VCF-style: chr2-64114771-T-C.
Other names: c.1274T>C, p.Phe425Ser (NM_001001521.2, NM_001377524.1, NM_001377525.1); c.947T>C, p.Phe316Ser (NM_001377526.1, NM_001377527.1, NM_001377528.1 and 1 more transcripts); short protein forms F436S, F425S, F316S.
Identifiers: ClinVar variation 2213260 (VCV002213260.4), dbSNP rs775899208, ClinGen allele CA1683414.

ClinVar aggregate classification (germline): Uncertain significance. Review status: criteria provided, multiple submitters, no conflicts (2 of 4 stars). 2 submissions from 2 submitters: Uncertain significance (2). Last evaluated 2025-08-14.

Conditions:
Inborn genetic diseases. Identifiers: MedGen C0950123, MeSH D030342.

Allele frequency attached by ClinVar (database versions not stated): TOPMed 0.00003; ExAC 0.00001; gnomAD 0.00003; gnomAD exomes 0.00006.
gnomAD v4.1: 92 of 1,613,986 alleles (0.0057%); highest among the groups gnomAD compares: Non-Finnish European, 0.0074%; no homozygotes.

Submissions (2):

GeneDx
Classification: Uncertain significance. Last evaluated: 2025-08-14. Review status: criteria provided, single submitter. Criteria: GeneDx Variant Classification Process June 2021. Collection method: clinical testing. Allele origin: germline. Affected: yes.
Comment: In silico analysis supports that this missense variant has a deleterious effect on protein structure/function; Has not been previously published as pathogenic or benign to our knowledge

Ambry Genetics
Classification: Uncertain significance for Inborn genetic diseases. Last evaluated: 2025-06-11. Review status: criteria provided, single submitter. Criteria: Ambry Variant Classification Scheme 2023. Collection method: clinical testing. Allele origin: germline.